The following is an entry in ClinVar:

NM_006767.4(LZTR1):c.1697G>A (p.Cys566Tyr)

Gene: LZTR1 (leucine zipper like post translational regulator 1; plus strand). Cytogenetic location: 22q11.21.
Variant type: single nucleotide variant.
Coding change: c.1697G>A on transcript NM_006767.4 (MANE Select); coding-DNA position 1697, G replaced by A.
Protein change: p.Cys566Tyr; replaces cysteine 566 with tyrosine.
Molecular consequence: missense variant.
Genome position (GRCh38, 1-based): chr22:20,994,639, G>A. VCF-style: chr22-20994639-G-A. GRCh37 (hg19) VCF-style: chr22-21348928-G-A.
Other names: short protein forms C566Y.
Identifiers: ClinVar variation 1778256 (VCV001778256.4), dbSNP rs1924755446, ClinGen allele CA410777858.

ClinVar aggregate classification (germline): Uncertain significance. Review status: criteria provided, multiple submitters, no conflicts (2 of 4 stars). 2 submissions from 2 submitters: Uncertain significance (2). Last evaluated 2025-11-25.

Conditions:
Cardiovascular phenotype. Identifiers: MedGen CN230736.
Hereditary cancer-predisposing syndrome. Also called: Neoplastic Syndromes, Hereditary; Tumor predisposition; Hereditary Cancer Syndrome; Hereditary neoplastic syndrome. Identifiers: Orphanet 140162, MedGen C0027672, MeSH D009386, MONDO:0015356.

Allele frequency attached by ClinVar (database versions not stated): gnomAD exomes below 0.00001; gnomAD 0.00001.
gnomAD v4.1: 3 of 1,612,642 alleles (0.00019%); highest among the groups gnomAD compares: African/African-American, 0.0013%; no homozygotes.

Submissions (2):

Labcorp Genetics (formerly Invitae), Labcorp
Classification: Uncertain significance. Last evaluated: 2025-11-25. Review status: criteria provided, single submitter. Criteria: Invitae Variant Classification Sherloc (09022015). Collection method: clinical testing. Allele origin: germline.
Comment: This sequence change replaces cysteine, which is neutral and slightly polar, with tyrosine, which is neutral and polar, at codon 566 of the LZTR1 protein (p.Cys566Tyr). This variant is not present in population databases (gnomAD no frequency). This variant has not been reported in the literature in individuals affected with LZTR1-related conditions. ClinVar contains an entry for this variant (Variation ID: 1778256). Invitae Evidence Modeling of protein sequence and biophysical properties (such as structural, functional, and spatial information, amino acid conservation, physicochemical variation, residue mobility, and thermodynamic stability) indicates that this missense variant is not expected to disrupt LZTR1 protein function with a negative predictive value of 80%. In summary, the available evidence is currently insufficient to determine the role of this variant in disease. Therefore, it has been classified as a Variant of Uncertain Significance.

Ambry Genetics
Classification: Uncertain significance for Cardiovascular phenotype; Hereditary cancer-predisposing syndrome. Last evaluated: 2024-11-22. Review status: criteria provided, single submitter. Criteria: Ambry Variant Classification Scheme 2023. Collection method: clinical testing. Allele origin: germline.
Comment: The p.C566Y variant (also known as c.1697G>A), located in coding exon 15 of the LZTR1 gene, results from a G to A substitution at nucleotide position 1697. The cysteine at codon 566 is replaced by tyrosine, an amino acid with highly dissimilar properties. This amino acid position is highly conserved in available vertebrate species. In addition, this alteration is predicted to be deleterious by in silico analysis. Based on the available evidence, the clinical significance of this variant remains unclear.